The following is an entry in ClinVar:

NM_201525.4(ADGRG1):c.1287-7C>T

Gene: ADGRG1 (adhesion G protein-coupled receptor G1; plus strand). Cytogenetic location: 16q21.
Variant type: single nucleotide variant.
Coding change: c.1287-7C>T on transcript NM_201525.4 (MANE Select); 7 bases into the intron before coding-DNA position 1287, C replaced by T.
Molecular consequence: intron variant. On other transcripts: missense variant (10).
Genome position (GRCh38, 1-based): chr16:57,659,406, C>T. VCF-style: chr16-57659406-C-T. GRCh37 (hg19) VCF-style: chr16-57693318-C-T.
Other names: c.1298C>T, p.Pro433Leu (NM_001145771.3, NM_001370428.1, NM_001370429.1 and 4 more transcripts); c.788C>T, p.Pro263Leu (NM_001290142.2); c.773C>T, p.Pro258Leu (NM_001290143.2); c.1295C>T, p.Pro432Leu (NM_001370434.1); c.1287-7C>T (NM_001370440.1, NM_001370436.1, NM_001370438.1 and 7 more transcripts); c.762-7C>T (NM_001370451.1, NM_001370453.1, NM_001370454.1 and 1 more transcripts); c.1131-7C>T (NM_001370442.1); c.1302-7C>T (NM_001370433.1, NM_001145773.3); and 1 more; short protein forms P263L, P258L, P432L, P433L.
Identifiers: ClinVar variation 1373908 (VCV001373908.3), dbSNP rs773923883, ClinGen allele CA8078726.

ClinVar aggregate classification (germline): Uncertain significance (1 of 4 stars; one submission).

Allele frequency attached by ClinVar (database versions not stated): TOPMed below 0.00001; gnomAD 0.00001; gnomAD exomes 0.00002 and 0.00003; ExAC 0.00004.
gnomAD v4.1: 28 of 1,613,174 alleles (0.0017%); highest among the groups gnomAD compares: Middle Eastern, 0.049%; no homozygotes.

Submission:

Labcorp Genetics (formerly Invitae), Labcorp
Classification: Uncertain significance. Last evaluated: 2022-10-31. Review status: criteria provided, single submitter. Criteria: Invitae Variant Classification Sherloc (09022015). Collection method: clinical testing. Allele origin: germline.
Comment: This sequence change replaces proline, which is neutral and non-polar, with leucine, which is neutral and non-polar, at codon 433 of the ADGRG1 protein (p.Pro433Leu). This variant is present in population databases (rs773923883, gnomAD 0.03%). This variant has not been reported in the literature in individuals affected with ADGRG1-related conditions. ClinVar contains an entry for this variant (Variation ID: 1373908). Advanced modeling of protein sequence and biophysical properties (such as structural, functional, and spatial information, amino acid conservation, physicochemical variation, residue mobility, and thermodynamic stability) performed at Invitae indicates that this missense variant is not expected to disrupt ADGRG1 protein function. In summary, the available evidence is currently insufficient to determine the role of this variant in disease. Therefore, it has been classified as a Variant of Uncertain Significance.